The following is an entry in ClinVar:

ClinVar aggregate classification (germline): Uncertain significance. Review status: criteria provided, multiple submitters, no conflicts (2 of 4 stars). 2 submissions from 2 submitters: Uncertain significance (2). Last evaluated 2022-10-13.

Conditions:
RYR1-related disorder. Also called: RYR1-related condition; RYR1-related disorders. Identifiers: MedGen CN239331.

Allele frequency attached by ClinVar (database versions not stated): gnomAD 0.00001.
gnomAD v4.1: 6 of 1,608,484 alleles (0.00037%); highest among the groups gnomAD compares: Admixed American, 0.005%; no homozygotes.

Submissions (2):

Labcorp Genetics (formerly Invitae), Labcorp
Classification: Uncertain significance for RYR1-related disorder. Last evaluated: 2022-10-13. Review status: criteria provided, single submitter. Criteria: Invitae Variant Classification Sherloc (09022015). Collection method: clinical testing. Allele origin: germline.
Comment: In summary, the available evidence is currently insufficient to determine the role of this variant in disease. Therefore, it has been classified as a Variant of Uncertain Significance. Advanced modeling of protein sequence and biophysical properties (such as structural, functional, and spatial information, amino acid conservation, physicochemical variation, residue mobility, and thermodynamic stability) performed at Invitae indicates that this missense variant is not expected to disrupt RYR1 protein function. ClinVar contains an entry for this variant (Variation ID: 544445). This missense change has been observed in individual(s) with clinical features of RYR1-related conditions (Invitae). This variant is present in population databases (rs200625526, gnomAD 0.009%). This sequence change replaces arginine, which is basic and polar, with histidine, which is basic and polar, at codon 1660 of the RYR1 protein (p.Arg1660His).

Revvity Omics, Revvity
Classification: Uncertain significance. Last evaluated: 2019-03-04. Review status: criteria provided, single submitter. Criteria: ACMG Guidelines, 2015. Collection method: clinical testing. Allele origin: germline.

NM_000540.3(RYR1):c.4979G>A (p.Arg1660His)

Gene: RYR1 (ryanodine receptor 1; plus strand). Cytogenetic location: 19q13.2.
Variant type: single nucleotide variant.
Coding change: c.4979G>A on transcript NM_000540.3 (MANE Select); coding-DNA position 4979, G replaced by A.
Protein change: p.Arg1660His; replaces arginine 1660 with histidine.
Molecular consequence: missense variant.
Genome position (GRCh38, 1-based): chr19:38,485,634, G>A. VCF-style: chr19-38485634-G-A. GRCh37 (hg19) VCF-style: chr19-38976274-G-A.
Other names: c.4979G>A, p.Arg1660His (NM_001042723.2); short protein forms R1660H.
Identifiers: ClinVar variation 544445 (VCV000544445.11), dbSNP rs200625526, ClinGen allele CA066568.